The following is an entry in ClinVar:

ClinVar aggregate classification (germline): Likely benign. Review status: criteria provided, multiple submitters, no conflicts (2 of 4 stars). 2 submissions from 2 submitters: Likely benign (2). Last evaluated 2025-09-22.

Conditions:
Distal hereditary motor neuropathy type 2. Identifiers: Orphanet 139525, MedGen C3711384, MeSH C580044, MONDO:0015352.
FBXO38-related disorder. Also called: FBXO38-related condition.

Allele frequency attached by ClinVar (database versions not stated): gnomAD 0.00003 and 0.00004; TOPMed 0.00004; gnomAD exomes 0.00005; ExAC 0.00007.

Submissions (2):

Labcorp Genetics (formerly Invitae), Labcorp
Classification: Likely benign for Distal hereditary motor neuropathy type 2. Last evaluated: 2025-09-22. Review status: criteria provided, single submitter. Criteria: Invitae Variant Classification Sherloc (09022015). Collection method: clinical testing. Allele origin: germline.

PreventionGenetics, part of Exact Sciences
Classification: Likely benign for FBXO38-related condition. Last evaluated: 2025-06-03. Review status: criteria provided, single submitter. Criteria: ACMG Guidelines, 2015. Collection method: clinical testing. Allele origin: germline.
Comment: This variant is classified as likely benign based on ACMG/AMP sequence variant interpretation guidelines (Richards et al. 2015 PMID: 25741868, with internal and published modifications).

NM_205836.3(FBXO38):c.1213C>T (p.Leu405=)

Gene: FBXO38 (F-box protein 38; plus strand). Cytogenetic location: 5q32.
Variant type: single nucleotide variant.
Coding change: c.1213C>T on transcript NM_205836.3 (MANE Select); coding-DNA position 1213, C replaced by T.
Protein change: p.Leu405=; no amino-acid change (leucine 405 retained).
Molecular consequence: synonymous variant.
Genome position (GRCh38, 1-based): chr5:148,414,255, C>T. VCF-style: chr5-148414255-C-T. GRCh37 (hg19) VCF-style: chr5-147793818-C-T.
Other names: c.1213C>T, p.Leu405= (NM_001271723.2, NM_030793.5); c.1213C>T (NM_030793.4).
Identifiers: ClinVar variation 1120299 (VCV001120299.11), dbSNP rs746060798, ClinGen allele CA3497232.